The following is an entry in ClinVar:

ClinVar aggregate classification (germline): Uncertain significance (1 of 4 stars; one submission).

Submission:

GeneDx
Classification: Uncertain significance. Last evaluated: 2023-08-14. Review status: criteria provided, single submitter. Criteria: GeneDx Variant Classification Process June 2021. Collection method: clinical testing. Allele origin: germline. Affected: yes.
Comment: Not observed at significant frequency in large population cohorts (gnomAD); In silico analysis supports that this missense variant has a deleterious effect on protein structure/function; Has not been previously published as pathogenic or benign to our knowledge

NM_031407.7(HUWE1):c.379G>C (p.Asp127His)

Gene: HUWE1 (HECT, UBA and WWE domain containing E3 ubiquitin protein ligase 1; minus strand). Cytogenetic location: Xp11.22.
Variant type: single nucleotide variant.
Coding change: c.379G>C on transcript NM_031407.7 (MANE Select); coding-DNA position 379, G replaced by C.
Protein change: p.Asp127His; replaces aspartic acid 127 with histidine.
Molecular consequence: missense variant.
Genome position (GRCh38, 1-based): chrX:53,645,436, C>G on the plus strand (G>C on the coding strand, the complement: HUWE1 is on the minus strand). VCF-style: chrX-53645436-C-G. GRCh37 (hg19) VCF-style: chrX-53672388-C-G.
Other names: short protein forms D127H.
Identifiers: ClinVar variation 3253253 (VCV003253253.1), dbSNP rs2528790758.